The following is an entry in ClinVar:

ClinVar aggregate classification (germline): Uncertain significance. Review status: criteria provided, multiple submitters, no conflicts (2 of 4 stars). 2 submissions from 2 submitters: Uncertain significance (2). Last evaluated 2025-05-05.

Conditions:
Hereditary cancer-predisposing syndrome. Also called: Hereditary neoplastic syndrome; Neoplastic Syndromes, Hereditary; Tumor predisposition; Hereditary Cancer Syndrome. Identifiers: Orphanet 140162, MedGen C0027672, MeSH D009386, MONDO:0015356.

Submissions (2):

Ambry Genetics
Classification: Uncertain significance for Hereditary cancer-predisposing syndrome. Last evaluated: 2025-05-05. Review status: criteria provided, single submitter. Criteria: Ambry Variant Classification Scheme 2023. Collection method: clinical testing. Allele origin: germline.
Comment: The p.R1519L variant (also known as c.4556G>T), located in coding exon 36 of the POLE gene, results from a G to T substitution at nucleotide position 4556. The arginine at codon 1519 is replaced by leucine, an amino acid with dissimilar properties. This amino acid position is highly conserved in available vertebrate species. In addition, the in silico prediction for this alteration is inconclusive. Based on the available evidence, the clinical significance of this variant remains unclear.

Labcorp Genetics (formerly Invitae), Labcorp
Classification: Uncertain significance. Last evaluated: 2024-04-05. Review status: criteria provided, single submitter. Criteria: Invitae Variant Classification Sherloc (09022015). Collection method: clinical testing. Allele origin: germline.
Comment: This sequence change replaces arginine, which is basic and polar, with leucine, which is neutral and non-polar, at codon 1519 of the POLE protein (p.Arg1519Leu). This variant is not present in population databases (gnomAD no frequency). This variant has not been reported in the literature in individuals affected with POLE-related conditions. ClinVar contains an entry for this variant (Variation ID: 1512059). Advanced modeling of protein sequence and biophysical properties (such as structural, functional, and spatial information, amino acid conservation, physicochemical variation, residue mobility, and thermodynamic stability) performed at Invitae indicates that this missense variant is not expected to disrupt POLE protein function with a negative predictive value of 80%. In summary, the available evidence is currently insufficient to determine the role of this variant in disease. Therefore, it has been classified as a Variant of Uncertain Significance.

NM_006231.4(POLE):c.4556G>T (p.Arg1519Leu)

Gene: POLE (DNA polymerase epsilon, catalytic subunit; minus strand). Cytogenetic location: 12q24.33.
Variant type: single nucleotide variant.
Coding change: c.4556G>T on transcript NM_006231.4 (MANE Select); coding-DNA position 4556, G replaced by T.
Protein change: p.Arg1519Leu; replaces arginine 1519 with leucine.
Molecular consequence: missense variant.
Genome position (GRCh38, 1-based): chr12:132,642,992, C>A on the plus strand (G>T on the coding strand, the complement: POLE is on the minus strand). VCF-style: chr12-132642992-C-A. GRCh37 (hg19) VCF-style: chr12-133219578-C-A.
Other names: c.4556G>T (NM_006231.2); short protein forms R1519L.
Identifiers: ClinVar variation 1512059 (VCV001512059.7), dbSNP rs376530977, ClinGen allele CA387379363.